The following is an entry in ClinVar:

NM_000444.6(PHEX):c.2096A>T (p.Glu699Val)

Genes: PHEX (phosphate regulating endopeptidase X-linked; plus strand), PTCHD1-AS (PTCHD1 antisense RNA (head to head); minus strand). Cytogenetic location: Xp22.11.
Variant type: single nucleotide variant.
Coding change: c.2096A>T on transcript NM_000444.6 (MANE Select); coding-DNA position 2096, A replaced by T.
Protein change: p.Glu699Val; replaces glutamic acid 699 with valine.
Molecular consequence: missense variant. On other transcripts: intron variant (1).
Genome position (GRCh38, 1-based): chrX:22,245,358, A>T. VCF-style: chrX-22245358-A-T. GRCh37 (hg19) VCF-style: chrX-22263475-A-T.
Other names: c.2071-2493A>T (NM_001282754.2); short protein forms E699V.
Identifiers: ClinVar variation 1312260 (VCV001312260.2), dbSNP rs2147214010, ClinGen allele CA412575220.

ClinVar aggregate classification (germline): Uncertain significance (1 of 4 stars; one submission).

Allele frequency attached by ClinVar (database versions not stated): gnomAD exomes below 0.00001.
gnomAD v4.1: 1 of 1,209,271 alleles (0.000083%); highest among the groups gnomAD compares: Non-Finnish European, 0.00011%; no homozygotes.

Submission:

GeneDx
Classification: Uncertain significance. Last evaluated: 2019-09-25. Review status: criteria provided, single submitter. Criteria: GeneDx Variant Classification Process June 2021. Collection method: clinical testing. Allele origin: germline. Affected: yes.
Comment: Not observed in large population cohorts (Lek et al., 2016); The majority of missense variants in this gene are considered pathogenic (Stenson et al., 2014); In silico analysis, which includes protein predictors and evolutionary conservation, supports a deleterious effect; Has not been previously published as pathogenic or benign to our knowledge